The following is an entry in ClinVar:

NM_004341.5(CAD):c.1834T>C (p.Cys612Arg)

Gene: CAD (carbamoyl-phosphate synthetase 2, aspartate transcarbamylase, and dihydroorotase; plus strand). Cytogenetic location: 2p23.3.
Variant type: single nucleotide variant.
Coding change: c.1834T>C on transcript NM_004341.5 (MANE Select); coding-DNA position 1834, T replaced by C.
Protein change: p.Cys612Arg; replaces cysteine 612 with arginine.
Molecular consequence: missense variant.
Genome position (GRCh38, 1-based): chr2:27,225,918, T>C. VCF-style: chr2-27225918-T-C. GRCh37 (hg19) VCF-style: chr2-27448786-T-C.
Other names: c.1834T>C, p.Cys612Arg (NM_001306079.2); short protein forms C612R.
Identifiers: ClinVar variation 3359644 (VCV003359644.1).
Genomic context (GRCh38, chr2:27,225,918, plus strand): 5'-AAGTCTCTGAAGGGATGGAAGGAGATTGAGTACGAGGTGGTGAGAGACGCCTATGGCAAC[T>C]GTGTCACGGTGAGTGAATGGGGGAAGGGTGGGCGTCGTGTCAGGCAGGATGAGCTTTTGG-3'
Protein context (NP_004332.2, residues 602-622): YEVVRDAYGN[Cys612Arg]VTVCNMENLD

ClinVar aggregate classification (germline): Uncertain significance (1 of 4 stars; one submission).

Submission:

GeneDx
Classification: Uncertain significance. Last evaluated: 2023-06-07. Review status: criteria provided, single submitter. Criteria: GeneDx Variant Classification Process June 2021. Collection method: clinical testing. Allele origin: germline. Affected: yes.
Comment: Not observed at significant frequency in large population cohorts (gnomAD); In silico analysis supports that this missense variant has a deleterious effect on protein structure/function; Has not been previously published as pathogenic or benign to our knowledge